The following is an entry in ClinVar:

ClinVar aggregate classification (germline): Likely benign. Review status: criteria provided, multiple submitters, no conflicts (2 of 4 stars). 4 submissions from 4 submitters: Likely benign (4). Last evaluated 2026-01-16.

Conditions:
Hereditary cancer-predisposing syndrome. Also called: Hereditary Cancer Syndrome; Neoplastic Syndromes, Hereditary; Tumor predisposition; Hereditary neoplastic syndrome. Identifiers: Orphanet 140162, MedGen C0027672, MeSH D009386, MONDO:0015356.
Familial cancer of breast. Also called: Hereditary breast cancer; BREAST CANCER, FAMILIAL; hereditary breast carcinoma. Identifiers: Orphanet 227535, MedGen C0346153, MONDO:0016419, OMIM 114480. Disease mechanism: loss of function.

Allele frequency attached by ClinVar (database versions not stated): gnomAD exomes 0.00001 and 0.00002; TOPMed 0.00001; ExAC 0.00002.
gnomAD v4.1: 21 of 1,589,720 alleles (0.0013%); highest among the groups gnomAD compares: Non-Finnish European, 0.0018%; no homozygotes.

Submissions (4):

Labcorp Genetics (formerly Invitae), Labcorp
Classification: Likely benign for Familial cancer of breast. Last evaluated: 2026-01-16. Review status: criteria provided, single submitter. Criteria: Invitae Variant Classification Sherloc (09022015). Collection method: clinical testing. Allele origin: germline.

Center for Genomic Medicine, Rigshospitalet, Copenhagen University Hospital
Classification: Likely benign. Last evaluated: 2025-03-04. Review status: criteria provided, single submitter. Criteria: ACMG Guidelines, 2015. Collection method: clinical testing. Allele origin: germline.

Myriad Genetics, Inc.
Classification: Likely benign for Familial cancer of breast. Last evaluated: 2024-07-25. Review status: criteria provided, single submitter. Criteria: Myriad Autosomal Dominant, Autosomal Recessive and X-Linked Classification Criteria (2023). Collection method: clinical testing. Allele origin: unknown.
Comment: This variant is considered likely benign. This variant is intronic and is not expected to impact mRNA splicing.

Color Diagnostics, LLC DBA Color Health
Classification: Likely benign for Hereditary cancer-predisposing syndrome. Last evaluated: 2017-05-12. Review status: criteria provided, single submitter. Criteria: ACMG Guidelines, 2015. Collection method: clinical testing. Allele origin: germline.

NM_000465.4(BARD1):c.1569-16G>A

Gene: BARD1 (BRCA1 associated RING domain 1; minus strand). Cytogenetic location: 2q35.
Variant type: single nucleotide variant.
Coding change: c.1569-16G>A on transcript NM_000465.4 (MANE Select); 16 bases into the intron before coding-DNA position 1569, G replaced by A.
Molecular consequence: intron variant.
Genome position (GRCh38, 1-based): chr2:214,752,571, C>T on the plus strand (G>A on the coding strand, the complement: BARD1 is on the minus strand). VCF-style: chr2-214752571-C-T. GRCh37 (hg19) VCF-style: chr2-215617295-C-T.
Other names: c.1569-16G>A (LRG_297t1); c.159-16G>A (NM_001282548.2); c.1512-16G>A (NM_001282543.2); c.216-16G>A (NM_001282545.2); c.365-22063G>A (NM_001282549.2).
Identifiers: ClinVar variation 490939 (VCV000490939.14), dbSNP rs781375440, ClinGen allele CA2090218.